The following is an entry in ClinVar:

ClinVar aggregate classification (germline): Likely benign. Review status: criteria provided, multiple submitters, no conflicts (2 of 4 stars). 2 submissions from 2 submitters: Likely benign (2). Last evaluated 2025-12-03.

Allele frequency attached by ClinVar (database versions not stated): gnomAD exomes 0.00006; ESP Exome Variant Server 0.00008; TOPMed 0.00010; gnomAD 0.00011; ExAC 0.00012.

Submissions (2):

Women's Health and Genetics/Laboratory Corporation of America, LabCorp
Classification: Likely benign. Last evaluated: 2025-12-03. Review status: criteria provided, single submitter. Criteria: LabCorp Variant Classification Summary - May 2015. Collection method: clinical testing. Allele origin: germline.

CeGaT Center for Human Genetics Tuebingen
Classification: Likely benign. Last evaluated: 2023-01-01. Review status: criteria provided, single submitter. Criteria: CeGaT Center For Human Genetics Tuebingen Variant Classification Criteria Version 2. Collection method: clinical testing. Allele origin: germline. Affected: yes. Observed: 1 variant allele.
Comment: EIF4G1: BP4, BP7

NM_198241.3(EIF4G1):c.3648T>C (p.Arg1216=)

Gene: EIF4G1 (eukaryotic translation initiation factor 4 gamma 1; plus strand). Cytogenetic location: 3q27.1.
Variant type: single nucleotide variant.
Coding change: c.3648T>C on transcript NM_198241.3 (MANE Select); coding-DNA position 3648, T replaced by C.
Protein change: p.Arg1216=; no amino-acid change (arginine 1216 retained).
Molecular consequence: synonymous variant.
Genome position (GRCh38, 1-based): chr3:184,327,435, T>C. VCF-style: chr3-184327435-T-C. GRCh37 (hg19) VCF-style: chr3-184045223-T-C.
Other names: c.3669T>C, p.Arg1223= (NM_001194946.2, NM_001194947.2); c.3528T>C, p.Arg1176= (NM_001291157.2); c.3063T>C, p.Arg1021= (NM_004953.5); c.3651T>C, p.Arg1217= (NM_182917.4); c.3156T>C, p.Arg1052= (NM_198242.3); c.3387T>C, p.Arg1129= (NM_198244.3).
Identifiers: ClinVar variation 2654317 (VCV002654317.25), dbSNP rs371050203, ClinGen allele CA2732863.